The following is an entry in ClinVar:

ClinVar aggregate classification (germline): Uncertain significance. Review status: criteria provided, multiple submitters, no conflicts (2 of 4 stars). 2 submissions from 2 submitters: Uncertain significance (2). Last evaluated 2025-08-25.

Conditions:
DICER1-related tumor predisposition. Also called: DICER1-related pleuropulmonary blastoma cancer predisposition syndrome; DICER1 syndrome. Identifiers: Orphanet 284343, MedGen C3839822, MONDO:0100216.
Hereditary cancer-predisposing syndrome. Also called: Hereditary Cancer Syndrome; Hereditary neoplastic syndrome; Tumor predisposition; Neoplastic Syndromes, Hereditary. Identifiers: Orphanet 140162, MedGen C0027672, MeSH D009386, MONDO:0015356.

Submissions (2):

Helix
Classification: Uncertain significance for DICER1-related tumor predisposition. Last evaluated: 2025-08-25. Review status: criteria provided, single submitter. Criteria: ACMG Guidelines, 2015. Collection method: clinical testing. Allele origin: germline. Inheritance: Autosomal dominant inheritance.
Comment: This variant (NM_177438.3:c.4255G>A p.Glu1419Lys) results in the substitution of glutamic acid with lysine at codon 1419 in the DICER1 protein. It is a rare variant that is absent from the large gnomAD population database (v4.1). To our knowledge, this variant has not been reported in individuals with DICER1-related conditions. In silico prediction from REVEL (PMID: 27666373) suggests that this variant may be benign. This variant is present in ClinVar (Variation ID: 1739117). In conclusion, since the available evidence is limited, the clinical significance of this variant is unclear at this time. Therefore, it is classified as a Variant of Uncertain Significance.

Ambry Genetics
Classification: Uncertain significance for Hereditary cancer-predisposing syndrome. Last evaluated: 2022-03-23. Review status: criteria provided, single submitter. Criteria: Ambry Variant Classification Scheme 2023. Collection method: clinical testing. Allele origin: germline.
Comment: The p.E1419K variant (also known as c.4255G>A), located in coding exon 22 of the DICER1 gene, results from a G to A substitution at nucleotide position 4255. The glutamic acid at codon 1419 is replaced by lysine, an amino acid with similar properties. This amino acid position is conserved. In addition, the in silico prediction for this alteration is inconclusive. Since supporting evidence is limited at this time, the clinical significance of this alteration remains unclear.

NM_177438.3(DICER1):c.4255G>A (p.Glu1419Lys)

Gene: DICER1 (dicer 1, ribonuclease III; minus strand). Cytogenetic location: 14q32.13.
Variant type: single nucleotide variant.
Coding change: c.4255G>A on transcript NM_177438.3 (MANE Select); coding-DNA position 4255, G replaced by A.
Protein change: p.Glu1419Lys; replaces glutamic acid 1419 with lysine.
Molecular consequence: missense variant. On other transcripts: non-coding transcript variant (6).
Genome position (GRCh38, 1-based): chr14:95,096,665, C>T on the plus strand (G>A on the coding strand, the complement: DICER1 is on the minus strand). VCF-style: chr14-95096665-C-T. GRCh37 (hg19) VCF-style: chr14-95563002-C-T.
Other names: c.4255G>A, p.Glu1419Lys (NM_001195573.1, NM_001271282.3, NM_001291628.2 and 13 more transcripts); c.3973G>A, p.Glu1325Lys (NM_001395686.1); c.3850G>A, p.Glu1284Lys (NM_001395687.1, NM_001395688.1, NM_001395689.1 and 2 more transcripts); c.3688G>A, p.Glu1230Lys (NM_001395691.1); c.2572G>A, p.Glu858Lys (NM_001395697.1); short protein forms E1230K, E1284K, E858K, E1325K, E1419K.
Identifiers: ClinVar variation 1739117 (VCV001739117.3), dbSNP rs775839852, ClinGen allele CA390869683.